The following is an entry in ClinVar:

ClinVar aggregate classification (germline): Uncertain significance (1 of 4 stars; one submission).

Conditions:
Wilms tumor 1 (WT1). Also called: Wilms tumor, somatic. Identifiers: Orphanet 654, MedGen CN033288, MONDO:0008679, OMIM 194070.

Submission:

Labcorp Genetics (formerly Invitae), Labcorp
Classification: Uncertain significance for Wilms tumor 1. Last evaluated: 2023-10-26. Review status: criteria provided, single submitter. Criteria: Invitae Variant Classification Sherloc (09022015). Collection method: clinical testing. Allele origin: germline.
Comment: This sequence change replaces alanine, which is neutral and non-polar, with aspartic acid, which is acidic and polar, at codon 141 of the GPC3 protein (p.Ala141Asp). This variant is not present in population databases (gnomAD no frequency). This variant has not been reported in the literature in individuals affected with GPC3-related conditions. ClinVar contains an entry for this variant (Variation ID: 1443593). Advanced modeling of protein sequence and biophysical properties (such as structural, functional, and spatial information, amino acid conservation, physicochemical variation, residue mobility, and thermodynamic stability) performed at Invitae indicates that this missense variant is expected to disrupt GPC3 protein function with a positive predictive value of 80%. In summary, the available evidence is currently insufficient to determine the role of this variant in disease. Therefore, it has been classified as a Variant of Uncertain Significance.

NM_004484.4(GPC3):c.422C>A (p.Ala141Asp)

Gene: GPC3 (glypican 3; minus strand). Cytogenetic location: Xq26.2.
Variant type: single nucleotide variant.
Coding change: c.422C>A on transcript NM_004484.4 (MANE Select); coding-DNA position 422, C replaced by A.
Protein change: p.Ala141Asp; replaces alanine 141 with aspartic acid.
Molecular consequence: missense variant.
Genome position (GRCh38, 1-based): chrX:133,754,092, G>T on the plus strand (C>A on the coding strand, the complement: GPC3 is on the minus strand). VCF-style: chrX-133754092-G-T. GRCh37 (hg19) VCF-style: chrX-132888119-G-T.
Other names: c.422C>A, p.Ala141Asp (NM_001164617.2); c.374C>A, p.Ala125Asp (NM_001164618.2); c.260C>A, p.Ala87Asp (NM_001164619.2); short protein forms A141D, A125D, A87D.
Identifiers: ClinVar variation 1443593 (VCV001443593.8), dbSNP rs2124480829, ClinGen allele CA414706670.